The following is an entry in ClinVar:

NM_001371928.1(AHDC1):c.2675G>T (p.Gly892Val)

Gene: AHDC1 (AT-hook DNA binding motif containing 1; minus strand). Cytogenetic location: 1p36.11.
Variant type: single nucleotide variant.
Coding change: c.2675G>T on transcript NM_001371928.1 (MANE Select); coding-DNA position 2675, G replaced by T.
Protein change: p.Gly892Val; replaces glycine 892 with valine.
Molecular consequence: missense variant.
Genome position (GRCh38, 1-based): chr1:27,549,441, C>A on the plus strand (G>T on the coding strand, the complement: AHDC1 is on the minus strand). VCF-style: chr1-27549441-C-A. GRCh37 (hg19) VCF-style: chr1-27875952-C-A.
Other names: c.2675G>T, p.Gly892Val (NM_001029882.3); short protein forms G892V.
Identifiers: ClinVar variation 4994929 (VCV004994929.1).

ClinVar aggregate classification (germline): Uncertain significance (1 of 4 stars; one submission).

Conditions:
AHDC1-related disorder. Also called: AHDC1-related condition.

gnomAD v4.1: 1 of 1,612,822 alleles (0.000062%); highest among the groups gnomAD compares: Non-Finnish European, 0.000085%; no homozygotes.

Submission:

PreventionGenetics, part of Exact Sciences
Classification: Uncertain significance for AHDC1-related condition. Last evaluated: 2026-06-28. Review status: criteria provided, single submitter. Criteria: ACMG Guidelines, 2015. Collection method: clinical testing. Allele origin: germline.
Comment: The AHDC1 c.2675G>T variant is predicted to result in the amino acid substitution p.Gly892Val. To our knowledge, this variant has not been reported in the literature or in a large population database (gnomAD), indicating this variant is rare. At this time, the clinical significance of this variant is uncertain due to the absence of conclusive functional and genetic evidence.